The following continues an entry in ClinVar:

NM_007294.4(BRCA1):c.5363G>A (p.Gly1788Asp)

Gene: BRCA1. ClinVar aggregate classification (germline): Uncertain significance. Uncertain significance (1).

Submissions 6 to 12 of 12:

Victorian Clinical Genetics Services, Murdoch Childrens Research Institute
Classification: Uncertain significance for Breast-ovarian cancer, familial, susceptibility to, 1. Last evaluated: 2022-02-02. Review status: criteria provided, single submitter. Criteria: ACMG Guidelines, 2015. Collection method: clinical testing. Allele origin: germline. Inheritance: Autosomal dominant inheritance. Not counted in ClinVar's aggregate classification.
Comment: Based on the classification scheme VCGS_Germline_v1.3.4, this variant is classified as VUS-3C. Following criteria are met: 0102 - Loss of function is a known mechanism of disease in this gene and is associated with Fanconi anemia, complementation group S (MIM#617883), and susceptibility to breast and ovarian cancer (MIM#604370). (I) 0112 - The condition associated with this gene has incomplete penetrance. The highest estimate for cancer risk in carriers of pathogenic variants is 80% by the age of 70 years (PMID: 30551077). (I) 0108 - Autosomal recessive inheritance of variants is associated with fanconi anaemia, complementation group S (MIM#617883). Autosomal dominant inheritance is associated with an increased risk for familial breast and/or ovarian cancer, 1 (MIM#604370) and pancreatic cancer susceptibility, 4 (MIM#614320) (OMIM). (I) 0200 - Variant is predicted to result in a missense amino acid change from glycine to aspartic acid. (I) 0251 - This variant is heterozygous. (I) 0302 - Variant is present in gnomAD (v2) <0.001 (1 heterozygote, 0 homozygotes). (SP) 0309 - An alternative amino acid change at the same position has been observed in gnomAD (v2) (1 heterozygote, 0 homozygotes). (I) 0501 - Missense variant consistently predicted to be damaging by multiple in silico tools or highly conserved with a major amino acid change. (SP) 0600 - Variant is located in the annotated BRCT2 domain (Uniprot). (I) 0809 - Previous evidence of pathogenicity for this variant is inconclusive. This variant has been reported multiple times as a VUS in ClinVar and once as Pathogenic. It has been curated as a VUS by the ENIGMA expert panel (PMID: 31131967). This variant is often observed as a haplotype with p.(Cys1787Ser), this haplotype has been classified as pathogenic by ENIGMA (ClinVar, PMID: 31131967, PMID: 33087888, PMID: 15290653, PMID: 16030099). (I) 1003 - This variant has strong functional evidence supporting normal protein function. Functional assay data analysis of this variant suggests that it is unlikely to alter protein function alone, but that it does alter function when in combination with p.(Cys1787Ser) (PMID: 28781887, PMID: 30765603, PMID: 30209399, PMID: 33087888). (SB) 1208 - Inheritance information for this variant is not currently available in this individual. (I) Legend: (SP) - Supporting pathogenic, (I) - Information, (SB) - Supporting benign

Cancer Variant Interpretation Group UK, Institute of Cancer Research, London
Classification: Uncertain significance for Hereditary breast ovarian cancer syndrome. Last evaluated: 2021-07-09. Review status: criteria provided, single submitter. Criteria: ACMG Guidelines, 2015. Collection method: reference population, case-control. Allele origin: germline. Affected: no. Not counted in ClinVar's aggregate classification.
Comment: Data included in classification: Prevalence in cases vs controls is increased (PS4_sup) Absent from non-cancer females in gnomAD (PM2_mod). Critical residue within BRCT domain (PM1_mod). REVEL 0.862 (PP3_sup). Parsons et al, 2019 combined LR: 0.0457 (BP6_str). Data not included in classification: Conflicting functional data: Lee et al 2010 PMID: 20516115 = VUS Gaboriau et al 2015 PMID: 25748678 = 30-50% HR activity (VUS) Woods et al 2016 PMID: 28781887 = VUS Findlay et al 2018 PMID: 30209399 = FUNC (G1788V & G1788C both LOF), Bouwman et al 2020 PMID: 32546644 = Cisplatin NEUTRAL, Olaparib DEL, DR-GFP DEL G1788C and G1788V (class 5) also reported at this position (PM5 not applied due to conflicting functional data and PM1 already having been applied)

Revvity Omics, Revvity
Classification: Likely pathogenic. Last evaluated: 2019-05-08. Review status: criteria provided, single submitter. Criteria: ACMG Guidelines, 2015. Collection method: clinical testing. Allele origin: germline. Not counted in ClinVar's aggregate classification.

Research Molecular Genetics Laboratory, Women's College Hospital, University of Toronto
Classification: Uncertain significance. Last evaluated: 2014-01-31. Review status: no assertion criteria provided. Collection method: research. Allele origin: germline. Affected: yes. Study: The Canadian Open Genetics Repository (COGR). Not counted in ClinVar's aggregate classification.

Sharing Clinical Reports Project (SCRP)
Classification: Pathogenic for Breast-ovarian cancer, familial 1. Last evaluated: 2008-04-07. Review status: no assertion criteria provided. Collection method: clinical testing. Allele origin: germline. Not counted in ClinVar's aggregate classification.

Breast Cancer Information Core (BIC) (BRCA1)
Classification: Uncertain significance for Breast-ovarian cancer, familial 1. Last evaluated: 2004-02-20. Review status: no assertion criteria provided. Collection method: clinical testing. Allele origin: germline. Affected: yes. Observed: 5 variant alleles. Not counted in ClinVar's aggregate classification.

Brotman Baty Institute, University of Washington
No classification provided (evidence only). Condition: Breast-ovarian cancer, familial 1. Review status: no classification provided. Collection method: in vitro. Allele origin: not applicable. Functional consequence: functionally_normal. Not counted in ClinVar's aggregate classification.
ClinVar note: "not provided" was previously submitted as the classification for the variant. However, the classification appeared to be based only on an observation of functional data so it was converted to no classification on 2025-07-30.

Literature cited by the submitters: PubMed 39142283 (cited by Lupski Lab, Baylor-Hopkins CMG, Baylor College of Medicine); PubMed 34793697 (cited by Lupski Lab, Baylor-Hopkins CMG, Baylor College of Medicine); DOI 10.1101/2024.04.11.24305690 (cited by Lupski Lab, Baylor-Hopkins CMG, Baylor College of Medicine); PubMed 15133502 (cited by Ambry Genetics); PubMed 17308087 (cited by Ambry Genetics); PubMed 26543556 (cited by Ambry Genetics and Color Diagnostics, LLC DBA Color Health); PubMed 28781887 (cited by Ambry Genetics and Victorian Clinical Genetics Services, Murdoch Childrens Research Institute); PubMed 30209399 (cited by 3 submitters); PubMed 15290653 (cited by Color Diagnostics, LLC DBA Color Health and Victorian Clinical Genetics Services, Murdoch Childrens Research Institute); PubMed 16030099 (cited by Color Diagnostics, LLC DBA Color Health and Victorian Clinical Genetics Services, Murdoch Childrens Research Institute); PubMed 18284688 (cited by Color Diagnostics, LLC DBA Color Health); PubMed 20516115 (cited by Color Diagnostics, LLC DBA Color Health); PubMed 21447777 (cited by Color Diagnostics, LLC DBA Color Health); PubMed 23233716 (cited by Color Diagnostics, LLC DBA Color Health); PubMed 25628955 (cited by Color Diagnostics, LLC DBA Color Health); PubMed 28959512 (cited by Color Diagnostics, LLC DBA Color Health); PubMed 31131967 (cited by 3 submitters); PubMed 30551077 (cited by Victorian Clinical Genetics Services, Murdoch Childrens Research Institute); PubMed 30765603 (cited by Victorian Clinical Genetics Services, Murdoch Childrens Research Institute); PubMed 33087888 (cited by Victorian Clinical Genetics Services, Murdoch Childrens Research Institute).